The following is an entry in ClinVar:

NM_207037.2(TCF12):c.112C>T (p.Pro38Ser)

Gene: TCF12 (transcription factor 12; plus strand). Cytogenetic location: 15q21.3.
Variant type: single nucleotide variant.
Coding change: c.112C>T on transcript NM_207037.2 (MANE Select); coding-DNA position 112, C replaced by T.
Protein change: p.Pro38Ser; replaces proline 38 with serine.
Molecular consequence: missense variant. On other transcripts: 5 prime UTR variant (3).
Genome position (GRCh38, 1-based): chr15:56,921,062, C>T. VCF-style: chr15-56921062-C-T. GRCh37 (hg19) VCF-style: chr15-57213260-C-T.
Other names: c.112C>T, p.Pro38Ser (NM_001322151.2, NM_001322152.2, NM_001322157.3 and 8 more transcripts); c.-541C>T (NM_001322154.2); c.-125C>T (NM_001322156.2, NM_001322158.2); short protein forms P38S.
Identifiers: ClinVar variation 2896908 (VCV002896908.3), dbSNP rs768590432, ClinGen allele CA7580718.
Genomic context (GRCh38, chr15:56,921,062, plus strand): 5'-AGATATATTTGGGTTATTTTGCAGATGTTTTCCCCACCTGTTAATAGTGGGAAAACTAGA[C>T]CAACTACACTGGGAAGCAGTCAATTCAGTGGATCAGGTAAGATGATGTCTTAAACTAAAG-3'
Protein context (NP_996920.1, residues 28-48): SPPVNSGKTR[Pro38Ser]TTLGSSQFSG

ClinVar aggregate classification (germline): Uncertain significance (1 of 4 stars; one submission).

Allele frequency attached by ClinVar (database versions not stated): ExAC 0.00001.

Submission:

Labcorp Genetics (formerly Invitae), Labcorp
Classification: Uncertain significance. Last evaluated: 2025-07-14. Review status: criteria provided, single submitter. Criteria: Invitae Variant Classification Sherloc (09022015). Collection method: clinical testing. Allele origin: germline.
Comment: This sequence change replaces proline, which is neutral and non-polar, with serine, which is neutral and polar, at codon 38 of the TCF12 protein (p.Pro38Ser). The frequency data for this variant in the population databases is considered unreliable, as metrics indicate poor data quality at this position in the gnomAD database. This variant has not been reported in the literature in individuals affected with TCF12-related conditions. ClinVar contains an entry for this variant (Variation ID: 2896908). Invitae Evidence Modeling of protein sequence and biophysical properties (such as structural, functional, and spatial information, amino acid conservation, physicochemical variation, residue mobility, and thermodynamic stability) indicates that this missense variant is not expected to disrupt TCF12 protein function with a negative predictive value of 80%. In summary, the available evidence is currently insufficient to determine the role of this variant in disease. Therefore, it has been classified as a Variant of Uncertain Significance.